The following is an entry in ClinVar:

ClinVar aggregate classification (germline): Uncertain significance. Review status: criteria provided, multiple submitters, no conflicts (2 of 4 stars). 3 submissions from 3 submitters: Uncertain significance (3). Last evaluated 2026-08-26.

Conditions:
LTBP4-related disorder. Also called: LTBP4-related condition.

Allele frequency attached by ClinVar (database versions not stated): gnomAD 0.00014; 1000 Genomes Project 30x 0.00016; TOPMed 0.00019.
gnomAD v4.1: 87 of 1,318,576 alleles (0.0066%); highest among the groups gnomAD compares: African/African-American, 0.056%; 1 homozygote.

Submissions (3):

PreventionGenetics, part of Exact Sciences
Classification: Uncertain significance for LTBP4-related condition. Last evaluated: 2026-08-26. Review status: criteria provided, single submitter. Criteria: ACMG Guidelines, 2015. Collection method: clinical testing. Allele origin: germline.
Comment: The LTBP4 c.14T>G variant is predicted to result in the amino acid substitution p.Val5Gly. This variant has been reported in the homozygous state and along with other variants in TG gene in an individual with congenital diaphragmatic hernia, dysmorphic features and congenital hypothyroidism (Freed et al. 2020. PubMed ID: 32553838) . This variant is reported in 0.031% of alleles in individuals of Latino descent in gnomAD. At this time, the clinical significance of this variant is uncertain due to the absence of conclusive functional and genetic evidence.

CeGaT Center for Human Genetics Tuebingen
Classification: Uncertain significance. Last evaluated: 2026-06-01. Review status: criteria provided, single submitter. Criteria: CeGaT Center For Human Genetics Tuebingen Variant Classification Criteria Version 2. Collection method: clinical testing. Allele origin: germline. Affected: yes. Observed: 2 variant alleles.
Comment: LTBP4: PM2, PM3:Supporting, BP4

GeneDx
Classification: Uncertain significance. Last evaluated: 2025-08-26. Review status: criteria provided, single submitter. Criteria: GeneDx Variant Classification Process June 2021. Collection method: clinical testing. Allele origin: germline. Affected: yes.
Comment: Observed in homozygous state in a patient with congenital diaphragmatic hernia, dysmorphic features, and congenital hypothyroidism (PMID: 32553838); In silico analysis indicates that this variant does not alter splicing; Reported using an alternate transcript of the gene; This variant is associated with the following publications: (PMID: 32553838)

NM_001042545.2(LTBP4):c.14T>G (p.Val5Gly)

Genes: LTBP4 (latent transforming growth factor beta binding protein 4; plus strand), LOC130064472 (ATAC-STARR-seq lymphoblastoid silent region 10636; plus strand). Cytogenetic location: 19q13.2.
Variant type: single nucleotide variant.
Coding change: c.14T>G on transcript NM_001042545.2 (MANE Select); coding-DNA position 14, T replaced by G.
Protein change: p.Val5Gly; replaces valine 5 with glycine.
Molecular consequence: missense variant. On other transcripts: intron variant (2).
Genome position (GRCh38, 1-based): chr19:40,601,401, T>G. VCF-style: chr19-40601401-T-G. GRCh37 (hg19) VCF-style: chr19-41107307-T-G.
Other names: c.14T>G (NM_001042545.1); c.340+1224T>G (NM_003573.2); c.451+1224T>G (NM_001042544.1); short protein forms V5G.
Identifiers: ClinVar variation 1179810 (VCV001179810.29), dbSNP rs1417302617, ClinGen allele CA405931011.